The following is an entry in ClinVar:

NM_000222.3(KIT):c.815A>G (p.Gln272Arg)

Gene: KIT (KIT proto-oncogene, receptor tyrosine kinase; plus strand). Cytogenetic location: 4q12.
Variant type: single nucleotide variant.
Coding change: c.815A>G on transcript NM_000222.3 (MANE Select); coding-DNA position 815, A replaced by G.
Protein change: p.Gln272Arg; replaces glutamine 272 with arginine.
Molecular consequence: missense variant.
Genome position (GRCh38, 1-based): chr4:54,703,782, A>G. VCF-style: chr4-54703782-A-G. GRCh37 (hg19) VCF-style: chr4-55569948-A-G.
Other names: c.815A>G, p.Gln272Arg (NM_001093772.2, NM_001385285.1, NM_001385286.1); c.818A>G, p.Gln273Arg (NM_001385284.1, NM_001385288.1, NM_001385290.1 and 1 more transcripts); short protein forms Q273R, Q272R.
Identifiers: ClinVar variation 4645067 (VCV004645067.1).

ClinVar aggregate classification (germline): Uncertain significance (1 of 4 stars; one submission).

Conditions:
Hereditary cancer-predisposing syndrome. Also called: Neoplastic Syndromes, Hereditary; Tumor predisposition; Hereditary Cancer Syndrome; Hereditary neoplastic syndrome. Identifiers: Orphanet 140162, MedGen C0027672, MeSH D009386, MONDO:0015356.

Submission:

Ambry Genetics
Classification: Uncertain significance for Hereditary cancer-predisposing syndrome. Last evaluated: 2025-10-09. Review status: criteria provided, single submitter. Criteria: Ambry Variant Classification Scheme 2023. Collection method: clinical testing. Allele origin: germline.
Comment: The p.Q272R variant (also known as c.815A>G), located in coding exon 5 of the KIT gene, results from an A to G substitution at nucleotide position 815. The glutamine at codon 272 is replaced by arginine, an amino acid with highly similar properties. This amino acid position is conserved. In addition, this alteration is predicted to be tolerated by in silico analysis. Based on the available evidence, the clinical significance of this variant remains unclear.